The following is an entry in ClinVar:

NM_004260.4(RECQL4):c.128G>A (p.Arg43Gln)

Genes: RECQL4 (RecQ like helicase 4; minus strand), LOC130001411 (ATAC-STARR-seq lymphoblastoid silent region 19699; plus strand). Cytogenetic location: 8q24.3.
Variant type: single nucleotide variant.
Coding change: c.128G>A on transcript NM_004260.4 (MANE Select); coding-DNA position 128, G replaced by A.
Protein change: p.Arg43Gln; replaces arginine 43 with glutamine.
Molecular consequence: missense variant.
Genome position (GRCh38, 1-based): chr8:144,517,499, C>T on the plus strand (G>A on the coding strand, the complement: RECQL4 is on the minus strand). VCF-style: chr8-144517499-C-T. GRCh37 (hg19) VCF-style: chr8-145742883-C-T.
Other names: short protein forms R43Q.
Identifiers: ClinVar variation 573137 (VCV000573137.7), dbSNP rs1169021603, ClinGen allele CA372692779.

ClinVar aggregate classification (germline): Uncertain significance (1 of 4 stars; one submission).

Conditions:
Baller-Gerold syndrome (BGS). Also called: CRANIOSYNOSTOSIS WITH RADIAL DEFECTS. Identifiers: Orphanet 1225, MedGen C0265308, MONDO:0009039, OMIM 218600.

Submission:

Labcorp Genetics (formerly Invitae), Labcorp
Classification: Uncertain significance for Baller-Gerold syndrome. Last evaluated: 2024-02-03. Review status: criteria provided, single submitter. Criteria: Invitae Variant Classification Sherloc (09022015). Collection method: clinical testing. Allele origin: germline.
Comment: This sequence change replaces arginine, which is basic and polar, with glutamine, which is neutral and polar, at codon 43 of the RECQL4 protein (p.Arg43Gln). The frequency data for this variant in the population databases is considered unreliable, as metrics indicate poor data quality at this position in the gnomAD database. This variant has not been reported in the literature in individuals affected with RECQL4-related conditions. ClinVar contains an entry for this variant (Variation ID: 573137). Algorithms developed to predict the effect of variants on protein structure and function are not available or were not evaluated for this variant. Experimental studies are conflicting or provide insufficient evidence to determine the effect of this variant on RECQL4 function (PMID: 22730300). In summary, the available evidence is currently insufficient to determine the role of this variant in disease. Therefore, it has been classified as a Variant of Uncertain Significance.

Literature cited by the submitters: PubMed 22730300.